The following is an entry in ClinVar:

NM_004836.7(EIF2AK3):c.716A>G (p.Gln239Arg)

Gene: EIF2AK3 (eukaryotic translation initiation factor 2 alpha kinase 3; minus strand). Cytogenetic location: 2p11.2.
Variant type: single nucleotide variant.
Coding change: c.716A>G on transcript NM_004836.7 (MANE Select); coding-DNA position 716, A replaced by G.
Protein change: p.Gln239Arg; replaces glutamine 239 with arginine.
Molecular consequence: missense variant.
Genome position (GRCh38, 1-based): chr2:88,593,323, T>C on the plus strand (A>G on the coding strand, the complement: EIF2AK3 is on the minus strand). VCF-style: chr2-88593323-T-C. GRCh37 (hg19) VCF-style: chr2-88892841-T-C.
Other names: c.263A>G, p.Gln88Arg (NM_001313915.2); short protein forms Q239R, Q88R.
Identifiers: ClinVar variation 1064116 (VCV001064116.9), dbSNP rs773387179, ClinGen allele CA1754861.

ClinVar aggregate classification (germline): Uncertain significance (1 of 4 stars; one submission).

Allele frequency attached by ClinVar (database versions not stated): gnomAD exomes below 0.00001 and 0.00002; ExAC 0.00001; TOPMed 0.00001.
gnomAD v4.1: 6 of 1,614,076 alleles (0.00037%); highest among the groups gnomAD compares: Admixed American, 0.0083%; no homozygotes.

Submission:

Labcorp Genetics (formerly Invitae), Labcorp
Classification: Uncertain significance. Last evaluated: 2020-05-27. Review status: criteria provided, single submitter. Criteria: Invitae Variant Classification Sherloc (09022015). Collection method: clinical testing. Allele origin: germline.
Comment: In summary, the available evidence is currently insufficient to determine the role of this variant in disease. Therefore, it has been classified as a Variant of Uncertain Significance. Algorithms developed to predict the effect of missense changes on protein structure and function (SIFT, PolyPhen-2, Align-GVGD) all suggest that this variant is likely to be tolerated, but these predictions have not been confirmed by published functional studies and their clinical significance is uncertain. This sequence change replaces glutamine with arginine at codon 239 of the EIF2AK3 protein (p.Gln239Arg). The glutamine residue is moderately conserved and there is a small physicochemical difference between glutamine and arginine. This variant is present in population databases (rs773387179, ExAC 0.009%). This variant has not been reported in the literature in individuals with EIF2AK3-related conditions.